The following is an entry in ClinVar:

NM_020884.7(MYH7B):c.2606C>T (p.Ala869Val)

Gene: MYH7B (myosin heavy chain 7B; plus strand). Cytogenetic location: 20q11.22.
Variant type: single nucleotide variant.
Coding change: c.2606C>T on transcript NM_020884.7 (MANE Select); coding-DNA position 2606, C replaced by T.
Protein change: p.Ala869Val; replaces alanine 869 with valine.
Molecular consequence: missense variant.
Genome position (GRCh38, 1-based): chr20:34,994,307, C>T. VCF-style: chr20-34994307-C-T. GRCh37 (hg19) VCF-style: chr20-33582110-C-T.
Other names: short protein forms A869V.
Identifiers: ClinVar variation 3014977 (VCV003014977.3), dbSNP rs758713202, ClinGen allele CA9827432.

ClinVar aggregate classification (germline): Uncertain significance (1 of 4 stars; one submission).

Allele frequency attached by ClinVar (database versions not stated): gnomAD exomes 0.00001; TOPMed 0.00001; ExAC 0.00002; gnomAD 0.00003.

Submission:

Labcorp Genetics (formerly Invitae), Labcorp
Classification: Uncertain significance. Last evaluated: 2023-06-16. Review status: criteria provided, single submitter. Criteria: Invitae Variant Classification Sherloc (09022015). Collection method: clinical testing. Allele origin: germline.
Comment: This variant is present in population databases (rs758713202, gnomAD 0.003%). This sequence change replaces alanine, which is neutral and non-polar, with valine, which is neutral and non-polar, at codon 911 of the MYH7B protein (p.Ala911Val). This variant has not been reported in the literature in individuals affected with MYH7B-related conditions. Advanced modeling of protein sequence and biophysical properties (such as structural, functional, and spatial information, amino acid conservation, physicochemical variation, residue mobility, and thermodynamic stability) performed at Invitae indicates that this missense variant is not expected to disrupt MYH7B protein function. In summary, the available evidence is currently insufficient to determine the role of this variant in disease. Therefore, it has been classified as a Variant of Uncertain Significance.